The following is an entry in ClinVar:

ClinVar aggregate classification (germline): Pathogenic (1 of 4 stars; one submission).

Conditions:
Exudative vitreoretinopathy 5 (EVR5). Identifiers: Orphanet 891, MedGen C2750079, MONDO:0013218, OMIM 613310.

Submission:

Juno Genomics, Hangzhou Juno Genomics, Inc
Classification: Pathogenic for Exudative vitreoretinopathy 5. Review status: criteria provided, single submitter. Criteria: ACMG Guidelines, 2015. Collection method: clinical testing. Allele origin: germline. Affected: yes.
Comment: Absent from controls (or at extremely low frequency if recessive) in Genome Aggregation Database, Exome Sequencing Project, 1000 Genomes Project, or Exome Aggregation Consortium.;Null variant in a gene where loss of function (LOF) is a known mechanism of disease.;The prevalence of the variant in affected individuals is significantly increased compared to the prevalence in controls.;Co-segregation with disease in multiple affected family members in a gene definitively known to cause the disease.

NM_012338.4(TSPAN12):c.11_14dup (p.Asp5fs)

Gene: TSPAN12 (tetraspanin 12; minus strand). Cytogenetic location: 7q31.31.
Variant type: Duplication.
Coding change: c.11_14dup on transcript NM_012338.4 (MANE Select); coding-DNA positions 11 to 14, 4 bases duplicated (AAGA; older notation c.11_14dupAAGA).
Protein change: p.Asp5fs; shifts the reading frame from aspartic acid 5.
Molecular consequence: frameshift variant.
Genome position (GRCh38, 1-based): chr7:120,856,750-120,856,753, TCTT duplicated on the plus strand (AAGA on the coding strand, the reverse complement: TSPAN12 is on the minus strand). VCF-style (leftmost placement, unchanged base first): chr7-120856749-A-ATCTT. GRCh37 (hg19) VCF-style: chr7-120496803-A-ATCTT.
Other names: short protein forms D5fs.
Identifiers: ClinVar variation 3382835 (VCV003382835.2).